The following is an entry in ClinVar:

ClinVar aggregate classification (germline): Uncertain significance. Review status: criteria provided, multiple submitters, no conflicts (2 of 4 stars). 2 submissions from 2 submitters: Uncertain significance (2). Last evaluated 2025-11-08.

Conditions:
Inborn genetic diseases. Identifiers: MedGen C0950123, MeSH D030342.
Facioscapulohumeral muscular dystrophy 2 (FSHD2). Also called: MUSCULAR DYSTROPHY, FACIOSCAPULOHUMERAL, TYPE 1B; FACIOSCAPULOHUMERAL MUSCULAR DYSTROPHY 2, DIGENIC; FSHD2, DIGENIC. Identifiers: Orphanet 269, MedGen C1834671, MONDO:0008031, OMIM 158901.

Allele frequency attached by ClinVar (database versions not stated): gnomAD exomes 0.00001 and 0.00007; ExAC 0.00002; gnomAD 0.00005; TOPMed 0.00005; ESP Exome Variant Server 0.00009.
gnomAD v4.1: 109 of 1,580,772 alleles (0.0069%); highest among the groups gnomAD compares: Non-Finnish European, 0.0087%; no homozygotes.

Submissions (2):

Ambry Genetics
Classification: Uncertain significance for Inborn genetic diseases. Last evaluated: 2025-11-08. Review status: criteria provided, single submitter. Criteria: Ambry Variant Classification Scheme 2023. Collection method: clinical testing. Allele origin: germline.

Labcorp Genetics (formerly Invitae), Labcorp
Classification: Uncertain significance for Facioscapulohumeral muscular dystrophy 2. Last evaluated: 2023-04-20. Review status: criteria provided, single submitter. Criteria: Invitae Variant Classification Sherloc (09022015). Collection method: clinical testing. Allele origin: germline.
Comment: This variant is present in population databases (rs371144443, gnomAD 0.004%). In summary, the available evidence is currently insufficient to determine the role of this variant in disease. Therefore, it has been classified as a Variant of Uncertain Significance. Advanced modeling of protein sequence and biophysical properties (such as structural, functional, and spatial information, amino acid conservation, physicochemical variation, residue mobility, and thermodynamic stability) performed at Invitae indicates that this missense variant is not expected to disrupt SMCHD1 protein function. ClinVar contains an entry for this variant (Variation ID: 959003). This variant has not been reported in the literature in individuals affected with SMCHD1-related conditions. This sequence change replaces valine, which is neutral and non-polar, with leucine, which is neutral and non-polar, at codon 1457 of the SMCHD1 protein (p.Val1457Leu).

NM_015295.3(SMCHD1):c.4369G>C (p.Val1457Leu)

Gene: SMCHD1 (structural maintenance of chromosomes flexible hinge domain containing 1; plus strand). Cytogenetic location: 18p11.32.
Variant type: single nucleotide variant.
Coding change: c.4369G>C on transcript NM_015295.3 (MANE Select); coding-DNA position 4369, G replaced by C.
Protein change: p.Val1457Leu; replaces valine 1457 with leucine.
Molecular consequence: missense variant.
Genome position (GRCh38, 1-based): chr18:2,760,674, G>C. VCF-style: chr18-2760674-G-C. GRCh37 (hg19) VCF-style: chr18-2760672-G-C.
Other names: short protein forms V1457L.
Identifiers: ClinVar variation 959003 (VCV000959003.10), dbSNP rs371144443, ClinGen allele CA8871462.